The following is an entry in ClinVar:

ClinVar aggregate classification (germline): Uncertain significance (1 of 4 stars; one submission).

Submission:

Labcorp Genetics (formerly Invitae), Labcorp
Classification: Uncertain significance. Last evaluated: 2024-10-16. Review status: criteria provided, single submitter. Criteria: Invitae Variant Classification Sherloc (09022015). Collection method: clinical testing. Allele origin: germline.
Comment: This sequence change replaces proline, which is neutral and non-polar, with serine, which is neutral and polar, at codon 511 of the TCIRG1 protein (p.Pro511Ser). This variant is not present in population databases (gnomAD no frequency). This variant has not been reported in the literature in individuals affected with TCIRG1-related conditions. ClinVar contains an entry for this variant (Variation ID: 1904381). Invitae Evidence Modeling of protein sequence and biophysical properties (such as structural, functional, and spatial information, amino acid conservation, physicochemical variation, residue mobility, and thermodynamic stability) indicates that this missense variant is not expected to disrupt TCIRG1 protein function with a negative predictive value of 80%. In summary, the available evidence is currently insufficient to determine the role of this variant in disease. Therefore, it has been classified as a Variant of Uncertain Significance.

NM_006019.4(TCIRG1):c.1531C>T (p.Pro511Ser)

Gene: TCIRG1 (T cell immune regulator 1, ATPase H+ transporting V0 subunit a3; plus strand). Cytogenetic location: 11q13.2.
Variant type: single nucleotide variant.
Coding change: c.1531C>T on transcript NM_006019.4 (MANE Select); coding-DNA position 1531, C replaced by T.
Protein change: p.Pro511Ser; replaces proline 511 with serine.
Molecular consequence: missense variant.
Genome position (GRCh38, 1-based): chr11:68,047,949, C>T. VCF-style: chr11-68047949-C-T. GRCh37 (hg19) VCF-style: chr11-67815416-C-T.
Other names: c.637C>T, p.Pro213Ser (NM_001351059.2); c.883C>T, p.Pro295Ser (NM_006053.4); short protein forms P295S, P511S, P213S.
Identifiers: ClinVar variation 1904381 (VCV001904381.4), dbSNP rs1046252307, ClinGen allele CA381584615.